The following is an entry in ClinVar:

ClinVar aggregate classification (germline): Uncertain significance (1 of 4 stars; one submission).

Conditions:
Warts, hypogammaglobulinemia, infections, and myelokathexis. Also called: WHIM syndrome. Identifiers: MedGen C0472817, MONDO:0023880.

Submission:

Labcorp Genetics (formerly Invitae), Labcorp
Classification: Uncertain significance for Warts, hypogammaglobulinemia, infections, and myelokathexis. Last evaluated: 2025-10-14. Review status: criteria provided, single submitter. Criteria: Invitae Variant Classification Sherloc (09022015). Collection method: clinical testing. Allele origin: germline.
Comment: This sequence change replaces asparagine, which is neutral and polar, with serine, which is neutral and polar, at codon 278 of the CXCR4 protein (p.Asn278Ser). This variant is not present in population databases (gnomAD no frequency). This variant has not been reported in the literature in individuals affected with CXCR4-related conditions. An algorithm developed to predict the effect of missense changes on protein structure and function outputs the following: PolyPhen-2: "Benign". The serine amino acid residue is found in multiple mammalian species, which suggests that this missense change does not adversely affect protein function. In summary, the available evidence is currently insufficient to determine the role of this variant in disease. Therefore, it has been classified as a Variant of Uncertain Significance.

NM_003467.3(CXCR4):c.833A>G (p.Asn278Ser)

Gene: CXCR4 (C-X-C motif chemokine receptor 4; minus strand). Cytogenetic location: 2q22.1.
Variant type: single nucleotide variant.
Coding change: c.833A>G on transcript NM_003467.3 (MANE Select); coding-DNA position 833, A replaced by G.
Protein change: p.Asn278Ser; replaces asparagine 278 with serine.
Molecular consequence: missense variant.
Genome position (GRCh38, 1-based): chr2:136,115,095, T>C on the plus strand (A>G on the coding strand, the complement: CXCR4 is on the minus strand). VCF-style: chr2-136115095-T-C. GRCh37 (hg19) VCF-style: chr2-136872665-T-C.
Other names: c.845A>G, p.Asn282Ser (NM_001008540.2); c.1046A>G, p.Asn349Ser (NM_001348056.2); c.932A>G, p.Asn311Ser (NM_001348059.2); c.788A>G, p.Asn263Ser (NM_001348060.2); short protein forms N263S, N311S, N349S, N278S, N282S.
Identifiers: ClinVar variation 4728049 (VCV004728049.1).